The following is an entry in ClinVar:

ClinVar aggregate classification (germline): Likely benign. Review status: criteria provided, multiple submitters, no conflicts (2 of 4 stars). 3 submissions from 3 submitters: Likely benign (2). 1 of the submissions does not count toward it. Last evaluated 2026-01-23.

Conditions:
HYOU1-related disorder. Also called: HYOU1-related condition.

Allele frequency attached by ClinVar (database versions not stated): ESP Exome Variant Server 0.00015; gnomAD 0.00039 and 0.00054; gnomAD exomes 0.00046 and 0.00103; TOPMed 0.00070; ExAC 0.00087; 1000 Genomes Project 30x 0.00156; 1000 Genomes Project 0.00180.
gnomAD v4.1: 750 of 1,610,140 alleles (0.047%); highest among the groups gnomAD compares: East Asian, 0.84%; 7 homozygotes.

Submissions (3):

Women's Health and Genetics/Laboratory Corporation of America, LabCorp
Classification: Likely benign. Last evaluated: 2026-01-23. Review status: criteria provided, single submitter. Criteria: LabCorp Variant Classification Summary - May 2015. Collection method: clinical testing. Allele origin: germline.

Blueprint Genetics
Classification: Likely benign. Last evaluated: 2024-11-20. Review status: criteria provided, single submitter. Criteria: ACMG Guidelines, 2015. Collection method: clinical testing. Allele origin: germline.

PreventionGenetics, part of Exact Sciences
Classification: Likely benign for HYOU1-related condition. Last evaluated: 2023-12-15. Review status: no assertion criteria provided. Collection method: clinical testing. Allele origin: germline. Not counted in ClinVar's aggregate classification.
Comment: This variant is classified as likely benign based on ACMG/AMP sequence variant interpretation guidelines (Richards et al. 2015 PMID: 25741868, with internal and published modifications).

NM_001130991.3(HYOU1):c.185+10G>T

Gene: HYOU1 (hypoxia up-regulated 1; minus strand). Cytogenetic location: 11q23.3.
Variant type: single nucleotide variant.
Coding change: c.185+10G>T on transcript NM_001130991.3; 10 bases into the intron after coding-DNA position 185, G replaced by T.
Molecular consequence: intron variant.
Genome position (GRCh38, 1-based): chr11:119,055,740, C>A on the plus strand (G>T on the coding strand, the complement: HYOU1 is on the minus strand). VCF-style: chr11-119055740-C-A. GRCh37 (hg19) VCF-style: chr11-118926452-C-A.
Other names: c.185+10G>T (NM_006389.5, NM_006389.4).
Identifiers: ClinVar variation 3033320 (VCV003033320.4), dbSNP rs74571087, ClinGen allele CA229649377.
Genomic context (GRCh38, chr11:119,055,740, plus strand): 5'-TGACTAACACATTCACACTTGGAGCCCAGACTCCCTCGTTCCCCACCCTTAACACGGGGG[C>A]CACCCTCACTTATTCAAGACAATTTCCATGGGCACTCCAGGTTTGACAATGGCCACCTTC-3'